The following is an entry in ClinVar:

NM_001363711.2(DUOX2):c.2920C>T (p.Arg974Cys)

Gene: DUOX2 (dual oxidase 2; minus strand). Cytogenetic location: 15q21.1.
Variant type: single nucleotide variant.
Coding change: c.2920C>T on transcript NM_001363711.2 (MANE Select); coding-DNA position 2920, C replaced by T.
Protein change: p.Arg974Cys; replaces arginine 974 with cysteine.
Molecular consequence: missense variant.
Genome position (GRCh38, 1-based): chr15:45,101,206, G>A on the plus strand (C>T on the coding strand, the complement: DUOX2 is on the minus strand). VCF-style: chr15-45101206-G-A. GRCh37 (hg19) VCF-style: chr15-45393404-G-A.
Other names: c.2920C>T, p.Arg974Cys (NM_014080.5); c.2920C>T (NM_014080.4); short protein forms R974C.
Identifiers: ClinVar variation 1509285 (VCV001509285.7), dbSNP rs1465903121, ClinGen allele CA392265013.
Genomic context (GRCh38, chr15:45,101,206, plus strand): 5'-TTCATTTCTCTGCAGGGGGCTCAGCCAGGCCAACCTGCCAGAGCCCCATTCCTGCTCACC[G>A]CTCCCCAGGTGTCCGAGTGATGAACGAGACTCGACAGCTGATGTTTTGTTTAAAGATATC-3'
Protein context (NP_001350640.1, residues 964-984): VSFITRTPGE[Arg974Cys]SHPQGLGPPA

ClinVar aggregate classification (germline): Conflicting classifications of pathogenicity. Review status: criteria provided, conflicting classifications (1 of 4 stars). 2 submissions from 2 submitters: Uncertain significance (1); Likely benign (1). Last evaluated 2025-06-17.

Conditions:
Inborn genetic diseases. Identifiers: MedGen C0950123, MeSH D030342.

Allele frequency attached by ClinVar (database versions not stated): gnomAD exomes below 0.00001; gnomAD 0.00001; TOPMed 0.00001.
gnomAD v4.1: 20 of 1,613,254 alleles (0.0012%); highest among the groups gnomAD compares: South Asian, 0.0044%; no homozygotes.

Submissions (2):

Labcorp Genetics (formerly Invitae), Labcorp
Classification: Uncertain significance. Last evaluated: 2025-06-17. Review status: criteria provided, single submitter. Criteria: Invitae Variant Classification Sherloc (09022015). Collection method: clinical testing. Allele origin: germline.
Comment: This sequence change replaces arginine, which is basic and polar, with cysteine, which is neutral and slightly polar, at codon 974 of the DUOX2 protein (p.Arg974Cys). The frequency data for this variant in the population databases is considered unreliable, as metrics indicate poor data quality at this position in the gnomAD database. This variant has not been reported in the literature in individuals affected with DUOX2-related conditions. ClinVar contains an entry for this variant (Variation ID: 1509285). An algorithm developed to predict the effect of missense changes on protein structure and function outputs the following: PolyPhen-2: "Benign". The cysteine amino acid residue is found in multiple mammalian species, which suggests that this missense change does not adversely affect protein function. Algorithms developed to predict the effect of sequence changes on RNA splicing suggest that this variant may disrupt the consensus splice site. In summary, the available evidence is currently insufficient to determine the role of this variant in disease. Therefore, it has been classified as a Variant of Uncertain Significance.

Ambry Genetics
Classification: Likely benign for Inborn genetic diseases. Last evaluated: 2024-01-16. Review status: criteria provided, single submitter. Criteria: Ambry Variant Classification Scheme 2023. Collection method: clinical testing. Allele origin: germline.